The following is an entry in ClinVar:

NM_001367624.2(ZNF469):c.10981C>G (p.Pro3661Ala)

Gene: ZNF469 (zinc finger protein 469; plus strand). Cytogenetic location: 16q24.2.
Variant type: single nucleotide variant.
Coding change: c.10981C>G on transcript NM_001367624.2 (MANE Select); coding-DNA position 10981, C replaced by G.
Protein change: p.Pro3661Ala; replaces proline 3661 with alanine.
Molecular consequence: missense variant.
Genome position (GRCh38, 1-based): chr16:88,438,451, C>G. VCF-style: chr16-88438451-C-G. GRCh37 (hg19) VCF-style: chr16-88504859-C-G.
Other names: short protein forms P3661A.
Identifiers: ClinVar variation 1416226 (VCV001416226.7), dbSNP rs1050476269, ClinGen allele CA286387466.
Genomic context (GRCh38, chr16:88,438,451, plus strand): 5'-GACCACCTACTTCAGAAAGAGAAGGAGGTGTCCTCAAGCCACATGGTGTCTGAGGGGGGG[C>G]CCCGAGGCGCCTTCCACAAGGGCAGCGCCACCAAGCCTGCGGGCTGCCAGAGCTCATCAA-3'
Protein context (NP_001354553.1, residues 3651-3671): SSSHMVSEGG[Pro3661Ala]RGAFHKGSAT

ClinVar aggregate classification (germline): Uncertain significance (1 of 4 stars; one submission).

Allele frequency attached by ClinVar (database versions not stated): gnomAD exomes 0.00001; gnomAD 0.00003 and 0.00004; TOPMed 0.00005.
gnomAD v4.1: 15 of 1,549,854 alleles (0.00097%); highest among the groups gnomAD compares: African/African-American, 0.0055%; no homozygotes.

Submission:

Labcorp Genetics (formerly Invitae), Labcorp
Classification: Uncertain significance. Last evaluated: 2023-07-07. Review status: criteria provided, single submitter. Criteria: Invitae Variant Classification Sherloc (09022015). Collection method: clinical testing. Allele origin: germline.
Comment: This sequence change replaces proline, which is neutral and non-polar, with alanine, which is neutral and non-polar, at codon 3633 of the ZNF469 protein (p.Pro3633Ala). In summary, the available evidence is currently insufficient to determine the role of this variant in disease. Therefore, it has been classified as a Variant of Uncertain Significance. Algorithms developed to predict the effect of missense changes on protein structure and function output the following: SIFT: "Not Available"; PolyPhen-2: "Benign"; Align-GVGD: "Not Available". The alanine amino acid residue is found in multiple mammalian species, which suggests that this missense change does not adversely affect protein function. ClinVar contains an entry for this variant (Variation ID: 1416226). This variant has not been reported in the literature in individuals affected with ZNF469-related conditions. The frequency data for this variant in the population databases is considered unreliable, as metrics indicate poor data quality at this position in the gnomAD database.